The following is an entry in ClinVar:

NM_000435.3(NOTCH3):c.5242C>T (p.Arg1748Cys)

Gene: NOTCH3 (notch receptor 3; minus strand). Cytogenetic location: 19p13.12.
Variant type: single nucleotide variant.
Coding change: c.5242C>T on transcript NM_000435.3 (MANE Select); coding-DNA position 5242, C replaced by T.
Protein change: p.Arg1748Cys; replaces arginine 1748 with cysteine.
Molecular consequence: missense variant.
Genome position (GRCh38, 1-based): chr19:15,167,369, G>A on the plus strand (C>T on the coding strand, the complement: NOTCH3 is on the minus strand). VCF-style: chr19-15167369-G-A. GRCh37 (hg19) VCF-style: chr19-15278180-G-A.
Other names: short protein forms R1748C.
Identifiers: ClinVar variation 3708769 (VCV003708769.3).

ClinVar aggregate classification (germline): Uncertain significance. Review status: criteria provided, multiple submitters, no conflicts (2 of 4 stars). 2 submissions from 2 submitters: Uncertain significance (2). Last evaluated 2024-04-17.

Submissions (2):

Labcorp Genetics (formerly Invitae), Labcorp
Classification: Uncertain significance. Last evaluated: 2024-04-17. Review status: criteria provided, single submitter. Criteria: Invitae Variant Classification Sherloc (09022015). Collection method: clinical testing. Allele origin: germline.
Comment: This sequence change replaces arginine, which is basic and polar, with cysteine, which is neutral and slightly polar, at codon 1748 of the NOTCH3 protein (p.Arg1748Cys). This variant is present in population databases (rs775425174, gnomAD 0.002%). This variant has not been reported in the literature in individuals affected with NOTCH3-related conditions. Advanced modeling of protein sequence and biophysical properties (such as structural, functional, and spatial information, amino acid conservation, physicochemical variation, residue mobility, and thermodynamic stability) has been performed at Invitae for this missense variant, however the output from this modeling did not meet the statistical confidence thresholds required to predict the impact of this variant on NOTCH3 protein function. In summary, the available evidence is currently insufficient to determine the role of this variant in disease. Therefore, it has been classified as a Variant of Uncertain Significance.

Blueprint Genetics
Classification: Uncertain significance. Last evaluated: 2023-02-08. Review status: criteria provided, single submitter. Criteria: ACMG Guidelines, 2015. Collection method: clinical testing. Allele origin: germline.